The following is an entry in ClinVar:

NM_013436.5(NCKAP1):c.1488T>G (p.Tyr496Ter)

Gene: NCKAP1 (NCK associated protein 1; minus strand). Cytogenetic location: 2q32.1.
Variant type: single nucleotide variant.
Coding change: c.1488T>G on transcript NM_013436.5 (MANE Select); coding-DNA position 1488, T replaced by G.
Protein change: p.Tyr496Ter; replaces tyrosine 496 with a stop codon.
Molecular consequence: nonsense.
Genome position (GRCh38, 1-based): chr2:182,967,356, A>C on the plus strand (T>G on the coding strand, the complement: NCKAP1 is on the minus strand). VCF-style: chr2-182967356-A-C. GRCh37 (hg19) VCF-style: chr2-183832084-A-C.
Other names: c.1506T>G, p.Tyr502Ter (NM_205842.3); short protein forms Y496*, Y502*.
Identifiers: ClinVar variation 3377027 (VCV003377027.1).

ClinVar aggregate classification (germline): Pathogenic (1 of 4 stars; one submission).

Conditions:
Neurodevelopmental disorder. Identifiers: MedGen C1535926, MeSH D065886, MONDO:0700092.

Submission:

Victorian Clinical Genetics Services, Murdoch Childrens Research Institute
Classification: Pathogenic for Neurodevelopmental disorder. Last evaluated: 2024-10-10. Review status: criteria provided, single submitter. Criteria: ACMG Guidelines, 2015. Collection method: clinical testing. Allele origin: germline. Inheritance: Autosomal dominant inheritance. Affected: yes.
Comment: Based on the classification scheme VCGS_Germline_v1.3.5, this variant is classified as Pathogenic. Following criteria are met: 0102 - Loss of function is a known mechanism of disease in this gene and is associated with neurodevelopmental disorder (MONDO:0700092), NCKAP1-related (PMID: 33157009). (I) 0107 - This gene is associated with autosomal dominant disease. (I) 0201 - Variant is predicted to cause nonsense-mediated decay (NMD) and loss of protein (premature termination codon is located at least 54 nucleotides upstream of the final exon-exon junction). (SP) 0251 - This variant is heterozygous. (I) 0301 - Variant is absent from gnomAD (v2, v3 and v4). (SP) 0702 - Other NMD-predicted variants comparable to the one identified in this case have strong previous evidence for pathogenicity (DECIPHER, PMID: 33157009). (SP) 0807 - This variant has no previous evidence of pathogenicity. (I) 0905 - No published segregation evidence has been identified for this variant. (I) 1007 - No published functional evidence has been identified for this variant. (SP) Legend: (SP) - Supporting pathogenic, (I) - Information, (SB) - Supporting benign

Literature cited by the submitters: PubMed 33157009.